The following is an entry in ClinVar:

NM_003036.4(SKI):c.938A>G (p.Tyr313Cys)

Gene: SKI (SKI proto-oncogene; plus strand). Cytogenetic location: 1p36.33.
Variant type: single nucleotide variant.
Coding change: c.938A>G on transcript NM_003036.4 (MANE Select); coding-DNA position 938, A replaced by G.
Protein change: p.Tyr313Cys; replaces tyrosine 313 with cysteine.
Molecular consequence: missense variant.
Genome position (GRCh38, 1-based): chr1:2,229,704, A>G. VCF-style: chr1-2229704-A-G. GRCh37 (hg19) VCF-style: chr1-2161143-A-G.
Other names: p.Y313C:TAT>TGT; short protein forms Y313C.
Identifiers: ClinVar variation 213687 (VCV000213687.8), dbSNP rs767730615, ClinGen allele CA323615.

ClinVar aggregate classification (germline): Uncertain significance. Review status: criteria provided, multiple submitters, no conflicts (2 of 4 stars). 3 submissions from 3 submitters: Uncertain significance (3). Last evaluated 2024-05-29.

Conditions:
Familial thoracic aortic aneurysm and aortic dissection (TAAD). Also called: Thoracic aortic aneurysms and dissections. Identifiers: Orphanet 91387, MedGen C4707243, MONDO:0019625.
Shprintzen-Goldberg syndrome (SGS). Also called: CRANIOSYNOSTOSIS WITH ARACHNODACTYLY AND ABDOMINAL HERNIAS; Marfanoid disorder with craniosynostosis type 1; Marfanoid craniosynostosis syndrome; Shprintzen-Goldberg marfanoid syndrome; SHPRINTZEN-GOLDBERG CRANIOSYNOSTOSIS SYNDROME. Identifiers: Orphanet 2462, MedGen C1321551, MONDO:0008426, OMIM 182212.

Allele frequency attached by ClinVar (database versions not stated): TOPMed 0.00001; ExAC below 0.00001; gnomAD 0.00002.
gnomAD v4.1: 5 of 1,590,632 alleles (0.00031%); highest among the groups gnomAD compares: Non-Finnish European, 0.00043%; no homozygotes.

Submissions (3):

Labcorp Genetics (formerly Invitae), Labcorp
Classification: Uncertain significance for Shprintzen-Goldberg syndrome. Last evaluated: 2024-05-29. Review status: criteria provided, single submitter. Criteria: Invitae Variant Classification Sherloc (09022015). Collection method: clinical testing. Allele origin: germline.
Comment: This sequence change replaces tyrosine, which is neutral and polar, with cysteine, which is neutral and slightly polar, at codon 313 of the SKI protein (p.Tyr313Cys). This variant is not present in population databases (gnomAD no frequency). This variant has not been reported in the literature in individuals affected with SKI-related conditions. ClinVar contains an entry for this variant (Variation ID: 213687). Advanced modeling of protein sequence and biophysical properties (such as structural, functional, and spatial information, amino acid conservation, physicochemical variation, residue mobility, and thermodynamic stability) has been performed at Invitae for this missense variant, however the output from this modeling did not meet the statistical confidence thresholds required to predict the impact of this variant on SKI protein function. In summary, the available evidence is currently insufficient to determine the role of this variant in disease. Therefore, it has been classified as a Variant of Uncertain Significance.

Ambry Genetics
Classification: Uncertain significance for Familial thoracic aortic aneurysm and aortic dissection. Last evaluated: 2019-09-11. Review status: criteria provided, single submitter. Criteria: Ambry Variant Classification Scheme 2023. Collection method: clinical testing. Allele origin: germline.
Comment: The p.Y313C variant (also known as c.938A>G), located in coding exon 1 of the SKI gene, results from an A to G substitution at nucleotide position 938. The tyrosine at codon 313 is replaced by cysteine, an amino acid with highly dissimilar properties. This amino acid position is not well conserved in available vertebrate species. In addition, the in silico prediction for this alteration is inconclusive. Since supporting evidence is limited at this time, the clinical significance of this alteration remains unclear.

GeneDx
Classification: Uncertain significance. Last evaluated: 2015-03-02. Review status: criteria provided, single submitter. Criteria: GeneDx Variant Classification (06012015). Collection method: clinical testing. Allele origin: germline. Affected: yes.
Comment: p.Tyr313Cys (Y313C) TAT>TGT: c.938 A>G in exon 1 of the SKI gene (NM_003036.3) A variant of unknown significance has been identified in the SKI gene. The Y313C variant has not been published as a mutation or been reported as a benign polymorphism to our knowledge. The Y313C variant is a non-conservative amino acid substitution, which is likely to impact secondary protein structure as these residues differ in polarity, charge, size and/or other properties. This substitution occurs at a position that is conserved through mammals. In silico analysis predicts this variant is probably damaging to the protein structure/function. Nevertheless, no missense mutations in nearby residues have been reported, indicating that this region of the protein may be tolerant of change. Therefore, based on the currently available information, it is unclear whether this variant is a pathogenic mutation or a rare benign variant. This variant was found in TAADV2-1